The following is an entry in ClinVar:

NM_024753.5(TTC21B):c.3915T>A (p.Asp1305Glu)

Gene: TTC21B (tetratricopeptide repeat domain 21B; minus strand). Cytogenetic location: 2q24.3.
Variant type: single nucleotide variant.
Coding change: c.3915T>A on transcript NM_024753.5 (MANE Select); coding-DNA position 3915, T replaced by A.
Protein change: p.Asp1305Glu; replaces aspartic acid 1305 with glutamic acid.
Molecular consequence: missense variant.
Genome position (GRCh38, 1-based): chr2:165,874,791, A>T on the plus strand (T>A on the coding strand, the complement: TTC21B is on the minus strand). VCF-style: chr2-165874791-A-T. GRCh37 (hg19) VCF-style: chr2-166731301-A-T.
Other names: c.3915T>A (NM_024753.3); short protein forms D1305E.
Identifiers: ClinVar variation 1314834 (VCV001314834.7), dbSNP rs756943619, ClinGen allele CA1941337.

ClinVar aggregate classification (germline): Uncertain significance. Review status: criteria provided, multiple submitters, no conflicts (2 of 4 stars). 5 submissions from 5 submitters: Uncertain significance (5). Last evaluated 2026-09-02.

Conditions:
Inborn genetic diseases. Identifiers: MedGen C0950123, MeSH D030342.
Nephronophthisis. Also called: Juvenile Nephronophthisis. Identifiers: Orphanet 655, MedGen C0687120, MONDO:0019005, HP:0000090.
Jeune thoracic dystrophy. Also called: Infantile thoracic dystrophy; Thoracic pelvic phalangeal dystrophy; Jeune's syndrome; Chondroectodermal dysplasia-like syndrome; Jeune syndrome; Short-rib thoracic dysplasia. Identifiers: Orphanet 474, MedGen C0265275, MONDO:0018770.
Nephronophthisis 12 (NPHP12). Identifiers: Orphanet 655, MedGen C3151186, MONDO:0013442, OMIM 613820.
Asphyxiating thoracic dystrophy 4 (SRTD4). Also called: SHORT-RIB THORACIC DYSPLASIA 4; SHORT-RIB THORACIC DYSPLASIA 4 WITH OR WITHOUT POLYDACTYLY. Identifiers: Orphanet 474, MedGen C3151185, MONDO:0013441, OMIM 613819.
TTC21B-related disorder. Also called: TTC21B-related condition; TTC21B-related disorders.

Allele frequency attached by ClinVar (database versions not stated): gnomAD 0.00001; gnomAD exomes 0.00001 and 0.00002; ExAC 0.00002; TOPMed 0.00002.
gnomAD v4.1: 24 of 1,613,680 alleles (0.0015%); highest among the groups gnomAD compares: Non-Finnish European, 0.002%; no homozygotes.

Submissions (5):

PreventionGenetics, part of Exact Sciences
Classification: Uncertain significance for TTC21B-related condition. Last evaluated: 2026-09-02. Review status: criteria provided, single submitter. Criteria: ACMG Guidelines, 2015. Collection method: clinical testing. Allele origin: germline.
Comment: The TTC21B c.3915T>A variant is predicted to result in the amino acid substitution p.Asp1305Glu. To our knowledge, this variant has not been reported in the literature. This variant is reported in 0.0026% of alleles in individuals of European (Non-Finnish) descent in gnomAD. At this time, the clinical significance of this variant is uncertain due to the absence of conclusive functional and genetic evidence.

Ambry Genetics
Classification: Uncertain significance for Inborn genetic diseases. Last evaluated: 2022-11-18. Review status: criteria provided, single submitter. Criteria: Ambry Variant Classification Scheme 2023. Collection method: clinical testing. Allele origin: germline.

Fulgent Genetics
Classification: Uncertain significance for Asphyxiating thoracic dystrophy 4; Nephronophthisis 12. Last evaluated: 2022-05-20. Review status: criteria provided, single submitter. Criteria: ACMG Guidelines, 2015. Collection method: clinical testing. Allele origin: unknown.

Labcorp Genetics (formerly Invitae), Labcorp
Classification: Uncertain significance for Jeune thoracic dystrophy; Nephronophthisis. Last evaluated: 2021-12-13. Review status: criteria provided, single submitter. Criteria: Invitae Variant Classification Sherloc (09022015). Collection method: clinical testing. Allele origin: germline.
Comment: This sequence change replaces aspartic acid, which is acidic and polar, with glutamic acid, which is acidic and polar, at codon 1305 of the TTC21B protein (p.Asp1305Glu). This variant is present in population databases (rs756943619, gnomAD 0.003%). This variant has not been reported in the literature in individuals affected with TTC21B-related conditions. ClinVar contains an entry for this variant (Variation ID: 1314834). Algorithms developed to predict the effect of missense changes on protein structure and function (SIFT, PolyPhen-2, Align-GVGD) all suggest that this variant is likely to be tolerated. In summary, the available evidence is currently insufficient to determine the role of this variant in disease. Therefore, it has been classified as a Variant of Uncertain Significance.

GeneDx
Classification: Uncertain significance. Last evaluated: 2021-04-23. Review status: criteria provided, single submitter. Criteria: GeneDx Variant Classification Process June 2021. Collection method: clinical testing. Allele origin: germline. Affected: yes.
Comment: Not observed at a significant frequency in large population cohorts (Lek et al., 2016); In silico analysis supports that this missense variant does not alter protein structure/function; Has not been previously published as pathogenic or benign to our knowledge